The following is an entry in ClinVar:

NM_001553.3(IGFBP7):c.830-1G>A

Gene: IGFBP7 (insulin like growth factor binding protein 7; minus strand). Cytogenetic location: 4q12.
Variant type: single nucleotide variant.
Coding change: c.830-1G>A on transcript NM_001553.3 (MANE Select); the canonical splice acceptor site of the intron before coding-DNA position 830, G replaced by A.
Molecular consequence: splice acceptor variant.
Genome position (GRCh38, 1-based): chr4:57,031,337, C>T on the plus strand (G>A on the coding strand, the complement: IGFBP7 is on the minus strand). VCF-style: chr4-57031337-C-T. GRCh37 (hg19) VCF-style: chr4-57897503-C-T.
Other names: IVS4, G-A, -1.
Identifiers: ClinVar variation 30280 (VCV000030280.6), dbSNP rs866994863, ClinGen allele CA16609336.

ClinVar aggregate classification (germline): Pathogenic/Likely pathogenic. Review status: criteria provided, multiple submitters, no conflicts (2 of 4 stars). 4 submissions from 4 submitters: Pathogenic (2); Likely pathogenic (1). 1 of the submissions does not count toward it. Last evaluated 2025-06-10.

Conditions:
Retinal arterial macroaneurysm with supravascular pulmonic stenosis. Identifiers: MedGen C4016816.
Familial retinal arterial macroaneurysm. Identifiers: Orphanet 284247, MedGen C3280205, MONDO:0013640, OMIM 614224.

Submissions (4):

GeneDx
Classification: Pathogenic. Last evaluated: 2025-06-10. Review status: criteria provided, single submitter. Criteria: GeneDx Variant Classification Process June 2021. Collection method: clinical testing. Allele origin: germline. Affected: yes.
Comment: Identified in the homozygous state in multiple unrelated patients with retinal arterial macroaneurysms with supravalvular pulmonic stenosis in the published literature, and considered to be a founder variant in the region of the Arabian peninsula (PMID: 21835307, 32552793, 32429784, 31730227, 34519236); Canonical splice site variant in a gene for which loss-of-function is not an established mechanism of disease; Not observed at significant frequency in large population cohorts (gnomAD); This variant is associated with the following publications: (PMID: 34853893, 31730227, 31585110, 36177613, 37644014, 34374989, 34519236, 32552793, 31130284, 35464689, 21835307, 32429784)

Dubai Health Genomic Medicine Center, Dubai Health
Classification: Likely pathogenic for Retinal arterial macroaneurysm with supravalvular pulmonic stenosis. Last evaluated: 2024-10-04. Review status: criteria provided, single submitter. Criteria: ACMG Guidelines, 2015. Collection method: research. Allele origin: germline. Affected: yes.
Comment: PVS1,PM2,PP1

Genomic Medicine Center of Excellence, King Faisal Specialist Hospital and Research Centre
Classification: Pathogenic for Familial retinal arterial macroaneurysm. Last evaluated: 2024-03-17. Review status: criteria provided, single submitter. Criteria: ACMG Guidelines, 2015. Collection method: research. Allele origin: germline.

OMIM
Classification: Pathogenic for RETINAL ARTERIAL MACROANEURYSM WITH SUPRAVASCULAR PULMONIC STENOSIS. Last evaluated: 2011-08-12. Review status: no assertion criteria provided. Collection method: literature only. Allele origin: germline. Not counted in ClinVar's aggregate classification.

Literature cited by the submitters: PubMed 12441727 (cited by OMIM); PubMed 21835307 (cited by OMIM).